The following is an entry in ClinVar:

ClinVar aggregate classification (germline): Conflicting classifications of pathogenicity. Review status: criteria provided, conflicting classifications (1 of 4 stars). 5 submissions from 4 submitters: Uncertain significance (2); Likely benign (2). 1 of the submissions does not count toward it. Last evaluated 2026-06-29.

Conditions:
Hereditary hyperinsulinism.
Maturity-onset diabetes of the young (MODY). Also called: Maturity onset diabetes mellitus in young. Identifiers: Orphanet 552, MedGen C0342276, MONDO:0018911, HP:0004904.
Transitory neonatal diabetes mellitus. Also called: Transient neonatal diabetes mellitus. Identifiers: MedGen C0342273, MONDO:0020525, HP:0008255.

Allele frequency attached by ClinVar (database versions not stated): ExAC 0.00016; gnomAD exomes 0.00016; TOPMed 0.00022; ESP Exome Variant Server 0.00031.
gnomAD v4.1: 398 of 1,614,046 alleles (0.025%); highest among the groups gnomAD compares: Non-Finnish European, 0.031%; no homozygotes.

Submissions (5):

Women's Health and Genetics/Laboratory Corporation of America, LabCorp
Classification: Likely benign. Last evaluated: 2026-06-29. Review status: criteria provided, single submitter. Criteria: LabCorp Variant Classification Summary - May 2015. Collection method: clinical testing. Allele origin: germline.

Labcorp Genetics (formerly Invitae), Labcorp
Classification: Likely benign. Last evaluated: 2026-01-18. Review status: criteria provided, single submitter. Criteria: Invitae Variant Classification Sherloc (09022015). Collection method: clinical testing. Allele origin: germline.

Clinical Genomics, Uppaluri K&H Personalized Medicine Clinic
Classification: Uncertain significance for Maturity-onset diabetes of the young. Review status: criteria provided, single submitter. Criteria: K & H Uppaluri Personalized Medicine Clinic Variant Classification & Assertion Criteria_Updated V.1. Collection method: research. Allele origin: somatic. Inheritance: Somatic mutation.
Comment: Mutations in ABCC8 gene are associated with both neonatal diabetes mellitus as well as MODY. Patients with this mutation may have a better response to sulfonylureas. However, no sufficient evidence is found to ascertain the role of this particular variant (rs372561049) in MODY yet.

Clinical Genomics, Uppaluri K&H Personalized Medicine Clinic
Classification: Uncertain significance for Transitory neonatal diabetes mellitus. Review status: criteria provided, single submitter. Criteria: K & H Uppaluri Personalized Medicine Clinic Variant Classification & Assertion Criteria_Updated V.1. Collection method: research. Allele origin: somatic. Inheritance: Somatic mutation.
Comment: Mutations in ABCC8 gene are associated with both neonatal diabetes mellitus as well as MODY. Patients with this mutation may have a better response to sulfonylureas. However, no sufficient evidence is found to ascertain the role of this particular variant ( rs372561049) in neonatal diabetes yet.

Natera, Inc.
Classification: Uncertain significance for Hereditary hyperinsulinism. Last evaluated: 2020-04-10. Review status: no assertion criteria provided. Collection method: clinical testing. Allele origin: germline. Not counted in ClinVar's aggregate classification.

Literature cited by the submitters: PubMed 16885549 (cited by Clinical Genomics, Uppaluri K&H Personalized Medicine Clinic); PubMed 21989597 (cited by Clinical Genomics, Uppaluri K&H Personalized Medicine Clinic); PubMed 27538677 (cited by Clinical Genomics, Uppaluri K&H Personalized Medicine Clinic); PubMed 18981553 (cited by Clinical Genomics, Uppaluri K&H Personalized Medicine Clinic); PubMed 32027066 (cited by Clinical Genomics, Uppaluri K&H Personalized Medicine Clinic); PubMed 16613899 (cited by Clinical Genomics, Uppaluri K&H Personalized Medicine Clinic); PubMed 18025408 (cited by Clinical Genomics, Uppaluri K&H Personalized Medicine Clinic); PubMed 32792356 (cited by Clinical Genomics, Uppaluri K&H Personalized Medicine Clinic).

NM_000352.6(ABCC8):c.3399+12C>T

Gene: ABCC8 (ATP binding cassette subfamily C member 8; minus strand). Cytogenetic location: 11p15.1.
Variant type: single nucleotide variant.
Coding change: c.3399+12C>T on transcript NM_000352.6 (MANE Select); 12 bases into the intron after coding-DNA position 3399, C replaced by T.
Molecular consequence: intron variant.
Genome position (GRCh38, 1-based): chr11:17,405,482, G>A on the plus strand (C>T on the coding strand, the complement: ABCC8 is on the minus strand). VCF-style: chr11-17405482-G-A. GRCh37 (hg19) VCF-style: chr11-17427029-G-A.
Other names: c.3396+12C>T (NM_001351297.2); c.3399+12C>T (NM_001351296.2); c.3465+12C>T (NM_001351295.2); c.3402+12C>T (NM_001287174.3).
Identifiers: ClinVar variation 990390 (VCV000990390.6), dbSNP rs372561049, ClinGen allele CA5902839.
Genomic context (GRCh38, chr11:17,405,482, plus strand): 5'-TCAGACAGGAGAAGCCCCCAGGGGTCCGAGGTGTCTCTGGAAGGGGGGATAGTGTGGCAC[G>A]GTCCTCTGTACCTGGTCGATGGTGTTACAGTCAGATGAAAATCTGTTCAGGATGCTCCCA-3'